The following is an entry in ClinVar:

NM_138711.6(PPARG):c.799C>T (p.Pro267Ser)

Gene: PPARG (peroxisome proliferator activated receptor gamma; plus strand). Cytogenetic location: 3p25.2.
Variant type: single nucleotide variant.
Coding change: c.799C>T on transcript NM_138711.6 (MANE Select); coding-DNA position 799, C replaced by T.
Protein change: p.Pro267Ser; replaces proline 267 with serine.
Molecular consequence: missense variant. On other transcripts: intron variant (5).
Genome position (GRCh38, 1-based): chr3:12,416,773, C>T. VCF-style: chr3-12416773-C-T. GRCh37 (hg19) VCF-style: chr3-12458272-C-T.
Other names: c.799C>T, p.Pro267Ser (NM_001354666.3, NM_001354667.3, NM_001374263.2 and 3 more transcripts); c.172C>T, p.Pro58Ser (NM_001354669.2); c.889C>T, p.Pro297Ser (NM_015869.5); c.729+10692C>T (NM_001374261.3, NM_001374262.3, NM_001330615.4); c.653+10774C>T (NM_001374266.1); c.819+10692C>T (NM_001374265.1); short protein forms P297S, P267S, P58S.
Identifiers: ClinVar variation 4992855 (VCV004992855.1).
Genomic context (GRCh38, chr3:12,416,773, plus strand): 5'-ATCTATGACATGAATTCCTTAATGATGGGAGAAGATAAAATCAAGTTCAAACACATCACC[C>T]CCCTGCAGGAGCAGAGCAAAGAGGTGGCCATCCGCATCTTTCAGGGCTGCCAGTTTCGCT-3'
Protein context (NP_619725.3, residues 257-277): EDKIKFKHIT[Pro267Ser]LQEQSKEVAI

ClinVar aggregate classification (germline): Uncertain significance (1 of 4 stars; one submission).

Conditions:
PPARG-related disorder. Also called: PPARG-related condition; PPARG-related disorders.

Submission:

PreventionGenetics, part of Exact Sciences
Classification: Uncertain significance for PPARG-related condition. Last evaluated: 2026-02-12. Review status: criteria provided, single submitter. Criteria: ACMG Guidelines, 2015. Collection method: clinical testing. Allele origin: germline.
Comment: The PPARG c.889C>T variant is predicted to result in the amino acid substitution p.Pro297Ser. To our knowledge, this variant has not been reported in the literature or in a large population database (gnomAD), indicating this variant is rare. At this time, the clinical significance of this variant is uncertain due to the absence of conclusive functional and genetic evidence.